The following is an entry in ClinVar:

NM_000038.6(APC):c.5835del (p.Ala1946fs)

Gene: APC (APC regulator of Wnt signaling pathway; plus strand). Cytogenetic location: 5q22.2.
Variant type: Deletion.
Coding change: c.5835del on transcript NM_000038.6 (MANE Select); coding-DNA position 5835, one base deleted (A; older notation c.5835delA).
Protein change: p.Ala1946fs; shifts the reading frame from alanine 1946.
Molecular consequence: frameshift variant. On other transcripts: non-coding transcript variant (2).
Genome position (GRCh38, 1-based): chr5:112,841,429, A deleted. VCF-style (leftmost placement, unchanged base first): chr5-112841428-CA-C. GRCh37 (hg19) VCF-style: chr5-112177125-CA-C.
Other names: c.5835del, p.Ala1946fs (NM_001127510.3, NM_001354895.2, NM_001407450.1); c.5781del, p.Ala1928fs (NM_001127511.3); c.5889del, p.Ala1964fs (NM_001354896.2, NM_001407447.1, NM_001407448.1 and 1 more transcripts); c.5865del, p.Ala1956fs (NM_001354897.2); c.5760del, p.Ala1921fs (NM_001354898.2); c.5751del, p.Ala1918fs (NM_001354899.2); c.5712del, p.Ala1905fs (NM_001354900.2); c.5658del, p.Ala1887fs (NM_001354901.2, NM_001407453.1); and 11 more; short protein forms A1562fs, A1663fs, A1786fs, A1817fs, A1820fs, A1845fs, A1855fs, A1863fs.
Identifiers: ClinVar variation 2583591 (VCV002583591.1), dbSNP rs2533671213, ClinGen allele CA2582341480.

ClinVar aggregate classification (germline): Pathogenic (1 of 4 stars; one submission).

Conditions:
Familial adenomatous polyposis 1 (FAP1). Also called: POLYPOSIS, ADENOMATOUS INTESTINAL; FAMILIAL ADENOMATOUS POLYPOSIS 1, ATTENUATED. Identifiers: MedGen C2713442, MONDO:0021056, OMIM 175100. Disease mechanism: loss of function.

Submission:

Myriad Genetics, Inc.
Classification: Pathogenic for Familial adenomatous polyposis 1. Last evaluated: 2023-05-15. Review status: criteria provided, single submitter. Criteria: Myriad Autosomal Dominant, Autosomal Recessive and X-Linked Classification Criteria (2023). Collection method: clinical testing. Allele origin: unknown.
Comment: This variant is considered pathogenic. This variant creates a frameshift predicted to result in premature protein truncation.